The following is an entry in ClinVar:

ClinVar aggregate classification (germline): Uncertain significance (1 of 4 stars; one submission).

Conditions:
Catecholaminergic polymorphic ventricular tachycardia 1. Also called: VENTRICULAR TACHYCARDIA, CATECHOLAMINERGIC POLYMORPHIC, 1, WITH OR WITHOUT ATRIAL DYSFUNCTION AND/OR DILATED CARDIOMYOPATHY; RYR2-Related Catecholaminergic Polymorphic Ventricular Tachycardia; VENTRICULAR TACHYCARDIA, STRESS-INDUCED POLYMORPHIC 1. Identifiers: Orphanet 3286, MedGen C1631597, MONDO:0011484, OMIM 604772.

Submission:

Labcorp Genetics (formerly Invitae), Labcorp
Classification: Uncertain significance for Catecholaminergic polymorphic ventricular tachycardia 1. Last evaluated: 2023-02-21. Review status: criteria provided, single submitter. Criteria: Invitae Variant Classification Sherloc (09022015). Collection method: clinical testing. Allele origin: germline.
Comment: A gross deletion of the genomic region encompassing the full coding sequence of the RYR2 gene has been identified. The current clinical and genetic evidence is not sufficient to establish whether loss-of-function variants in RYR2 cause disease. The boundaries of this event are unknown as they extend beyond the assayed region for this gene and therefore may encompass additional genes. This variant has not been reported in the literature in individuals affected with RYR2-related conditions. In summary, the available evidence is currently insufficient to determine the role of this variant in disease. Therefore, it has been classified as a Variant of Uncertain Significance.

NC_000001.10:g.(?_236902582)_(237995947_?)del

Genes: ACTN2 (actinin alpha 2; plus strand), MT1HL1 (metallothionein 1H like 1; minus strand), MTR (5-methyltetrahydrofolate-homocysteine methyltransferase; plus strand), RYR2 (ryanodine receptor 2; plus strand). Cytogenetic location: 1q43.
Variant type: Deletion.
Identifiers: ClinVar variation 2423523 (VCV002423523.4).